The following is an entry in ClinVar:

ClinVar aggregate classification (germline): Uncertain significance (1 of 4 stars; one submission).

Conditions:
T-B+ severe combined immunodeficiency due to JAK3 deficiency. Also called: SCID, autosomal recessive, T-negative/B-positive type; SCID, T CELL-NEGATIVE, B CELL-POSITIVE, NK CELL-NEGATIVE. Identifiers: Orphanet 35078, MedGen C1833275, MONDO:0010938, OMIM 600802.

Allele frequency attached by ClinVar (database versions not stated): gnomAD exomes below 0.00001.

Submission:

Labcorp Genetics (formerly Invitae), Labcorp
Classification: Uncertain significance for T-B+ severe combined immunodeficiency due to JAK3 deficiency. Last evaluated: 2023-10-23. Review status: criteria provided, single submitter. Criteria: Invitae Variant Classification Sherloc (09022015). Collection method: clinical testing. Allele origin: germline.
Comment: This sequence change replaces methionine, which is neutral and non-polar, with threonine, which is neutral and polar, at codon 1038 of the JAK3 protein (p.Met1038Thr). This variant is not present in population databases (gnomAD no frequency). This variant has not been reported in the literature in individuals affected with JAK3-related conditions. Advanced modeling of protein sequence and biophysical properties (such as structural, functional, and spatial information, amino acid conservation, physicochemical variation, residue mobility, and thermodynamic stability) has been performed at Invitae for this missense variant, however the output from this modeling did not meet the statistical confidence thresholds required to predict the impact of this variant on JAK3 protein function. In summary, the available evidence is currently insufficient to determine the role of this variant in disease. Therefore, it has been classified as a Variant of Uncertain Significance.

NM_000215.4(JAK3):c.3113T>C (p.Met1038Thr)

Gene: JAK3 (Janus kinase 3; minus strand). Cytogenetic location: 19p13.11.
Variant type: single nucleotide variant.
Coding change: c.3113T>C on transcript NM_000215.4 (MANE Select); coding-DNA position 3113, T replaced by C.
Protein change: p.Met1038Thr; replaces methionine 1038 with threonine.
Molecular consequence: missense variant.
Genome position (GRCh38, 1-based): chr19:17,830,202, A>G on the plus strand (T>C on the coding strand, the complement: JAK3 is on the minus strand). VCF-style: chr19-17830202-A-G. GRCh37 (hg19) VCF-style: chr19-17941011-A-G.
Other names: short protein forms M1038T.
Identifiers: ClinVar variation 2907483 (VCV002907483.2), dbSNP rs1018546069, ClinGen allele CA306122679.